The following is an entry in ClinVar:

ClinVar aggregate classification (germline): Uncertain significance (1 of 4 stars; one submission).

gnomAD v4.1: 53 of 1,614,032 alleles (0.0033%); highest among the groups gnomAD compares: Non-Finnish European, 0.0041%; no homozygotes.

Submission:

Labcorp Genetics (formerly Invitae), Labcorp
Classification: Uncertain significance. Last evaluated: 2023-09-27. Review status: criteria provided, single submitter. Criteria: Invitae Variant Classification Sherloc (09022015). Collection method: clinical testing. Allele origin: germline.
Comment: In summary, the available evidence is currently insufficient to determine the role of this variant in disease. Therefore, it has been classified as a Variant of Uncertain Significance. ClinVar contains an entry for this variant (Variation ID: 2112375). This variant has not been reported in the literature in individuals affected with IL18BP-related conditions. This variant is present in population databases (rs373119758, gnomAD 0.003%). This sequence change affects codon 23 of the IL18BP mRNA. It is a 'silent' change, meaning that it does not change the encoded amino acid sequence of the IL18BP protein.

NM_001039660.2(IL18BP):c.69C>T (p.Val23=)

Gene: IL18BP (interleukin 18 binding protein; plus strand). Cytogenetic location: 11q13.4.
Variant type: single nucleotide variant.
Coding change: c.69C>T on transcript NM_001039660.2 (MANE Select); coding-DNA position 69, C replaced by T.
Protein change: p.Val23=; no amino-acid change (valine 23 retained).
Molecular consequence: synonymous variant.
Genome position (GRCh38, 1-based): chr11:72,000,391, C>T. VCF-style: chr11-72000391-C-T. GRCh37 (hg19) VCF-style: chr11-71711437-C-T.
Other names: c.69C>T, p.Val23= (NM_001039659.2, NM_001145055.1, NM_001145057.1 and 3 more transcripts).
Identifiers: ClinVar variation 2112375 (VCV002112375.4), dbSNP rs373119758, ClinGen allele CA6166102.